The following is an entry in ClinVar:

NM_005909.5(MAP1B):c.3115A>G (p.Met1039Val)

Gene: MAP1B (microtubule associated protein 1B; plus strand). Cytogenetic location: 5q13.2.
Variant type: single nucleotide variant.
Coding change: c.3115A>G on transcript NM_005909.5 (MANE Select); coding-DNA position 3115, A replaced by G.
Protein change: p.Met1039Val; replaces methionine 1039 with valine.
Molecular consequence: missense variant.
Genome position (GRCh38, 1-based): chr5:72,196,470, A>G. VCF-style: chr5-72196470-A-G. GRCh37 (hg19) VCF-style: chr5-71492297-A-G.
Other names: c.2737A>G, p.Met913Val (NM_001324255.2); short protein forms M913V, M1039V.
Identifiers: ClinVar variation 4989868 (VCV004989868.1).

ClinVar aggregate classification (germline): Uncertain significance (1 of 4 stars; one submission).

Conditions:
MAP1B-related disorder. Also called: MAP1B-related condition.

Submission:

PreventionGenetics, part of Exact Sciences
Classification: Uncertain significance for MAP1B-related condition. Last evaluated: 2026-07-29. Review status: criteria provided, single submitter. Criteria: ACMG Guidelines, 2015. Collection method: clinical testing. Allele origin: germline.
Comment: The MAP1B c.3115A>G variant is predicted to result in the amino acid substitution p.Met1039Val. To our knowledge, this variant has not been reported in the literature. This variant is reported in 0.0015% of alleles in individuals of European (Non-Finnish) descent in gnomAD. At this time, the clinical significance of this variant is uncertain due to the absence of conclusive functional and genetic evidence.